The following is an entry in ClinVar:

ClinVar aggregate classification (germline): Uncertain significance (1 of 4 stars; one submission).

Conditions:
Cardiovascular phenotype. Identifiers: MedGen CN230736.

gnomAD v4.1: 6 of 1,614,168 alleles (0.00037%); highest among the groups gnomAD compares: East Asian, 0.013%; no homozygotes.

Submission:

Ambry Genetics
Classification: Uncertain significance for Cardiovascular phenotype. Last evaluated: 2026-03-02. Review status: criteria provided, single submitter. Criteria: Ambry Variant Classification Scheme 2023. Collection method: clinical testing. Allele origin: germline.
Comment: The p.P877L variant (also known as c.2630C>T), located in coding exon 18 of the VCL gene, results from a C to T substitution at nucleotide position 2630. The proline at codon 877 is replaced by leucine, an amino acid with similar properties. This amino acid position is highly conserved in available vertebrate species. In addition, this alteration is predicted to be tolerated by in silico analysis. Based on the available evidence, the clinical significance of this variant remains unclear.

NM_014000.3(VCL):c.2630C>T (p.Pro877Leu)

Gene: VCL (vinculin; plus strand). Cytogenetic location: 10q22.2.
Variant type: single nucleotide variant.
Coding change: c.2630C>T on transcript NM_014000.3 (MANE Select); coding-DNA position 2630, C replaced by T.
Protein change: p.Pro877Leu; replaces proline 877 with leucine.
Molecular consequence: missense variant.
Genome position (GRCh38, 1-based): chr10:74,109,041, C>T. VCF-style: chr10-74109041-C-T. GRCh37 (hg19) VCF-style: chr10-75868799-C-T.
Other names: c.2630C>T, p.Pro877Leu (NM_003373.4); short protein forms P877L.
Identifiers: ClinVar variation 4824343 (VCV004824343.1).